The following is an entry in ClinVar:

NM_001365088.1(SLC12A6):c.727A>T (p.Thr243Ser)

Gene: SLC12A6 (solute carrier family 12 member 6; minus strand). Cytogenetic location: 15q14.
Variant type: single nucleotide variant.
Coding change: c.727A>T on transcript NM_001365088.1 (MANE Select); coding-DNA position 727, A replaced by T.
Protein change: p.Thr243Ser; replaces threonine 243 with serine.
Molecular consequence: missense variant.
Genome position (GRCh38, 1-based): chr15:34,256,247, T>A on the plus strand (A>T on the coding strand, the complement: SLC12A6 is on the minus strand). VCF-style: chr15-34256247-T-A. GRCh37 (hg19) VCF-style: chr15-34548448-T-A.
Other names: c.550A>T, p.Thr184Ser (NM_001042494.2, NM_001042495.2); c.700A>T, p.Thr234Ser (NM_001042496.2); c.682A>T, p.Thr228Ser (NM_001042497.2); c.574A>T, p.Thr192Ser (NM_005135.2); c.727A>T, p.Thr243Ser (NM_133647.2); short protein forms T228S, T243S, T234S, T192S, T184S.
Identifiers: ClinVar variation 1396754 (VCV001396754.6), dbSNP rs1410645913, ClinGen allele CA391611320.
Genomic context (GRCh38, chr15:34,256,247, plus strand): 5'-TCAACACTGATAAATCCTGAAATACAACCTTGACCTACTAACCTGGCACCACTCCATTAG[T>A]GGCAATGGCACTCATGGAGATAGCAGTCAACATTGTCTGCAGAGAAAAGGAAAGGAGAGG-3'
Protein context (NP_001352017.1, residues 233-253): LTAISMSAIA[Thr243Ser]NGVVPAGGSY

ClinVar aggregate classification (germline): Uncertain significance (1 of 4 stars; one submission).

Allele frequency attached by ClinVar (database versions not stated): TOPMed below 0.00001; gnomAD 0.00001.
gnomAD v4.1: 9 of 1,605,976 alleles (0.00056%); highest among the groups gnomAD compares: Non-Finnish European, 0.00077%; no homozygotes.

Submission:

Labcorp Genetics (formerly Invitae), Labcorp
Classification: Uncertain significance. Last evaluated: 2021-12-11. Review status: criteria provided, single submitter. Criteria: Invitae Variant Classification Sherloc (09022015). Collection method: clinical testing. Allele origin: germline.
Comment: This sequence change replaces threonine, which is neutral and polar, with serine, which is neutral and polar, at codon 243 of the SLC12A6 protein (p.Thr243Ser). This variant is not present in population databases (gnomAD no frequency). This variant has not been reported in the literature in individuals affected with SLC12A6-related conditions. Algorithms developed to predict the effect of missense changes on protein structure and function (SIFT, PolyPhen-2, Align-GVGD) all suggest that this variant is likely to be disruptive. In summary, the available evidence is currently insufficient to determine the role of this variant in disease. Therefore, it has been classified as a Variant of Uncertain Significance.